The following is an entry in ClinVar:

NM_001164665.2(KIAA1549):c.3350A>G (p.Lys1117Arg)

Gene: KIAA1549 (KIAA1549; minus strand). Cytogenetic location: 7q34.
Variant type: single nucleotide variant.
Coding change: c.3350A>G on transcript NM_001164665.2 (MANE Select); coding-DNA position 3350, A replaced by G.
Protein change: p.Lys1117Arg; replaces lysine 1117 with arginine.
Molecular consequence: missense variant.
Genome position (GRCh38, 1-based): chr7:138,907,029, T>C on the plus strand (A>G on the coding strand, the complement: KIAA1549 is on the minus strand). VCF-style: chr7-138907029-T-C. GRCh37 (hg19) VCF-style: chr7-138591775-T-C.
Other names: c.3350A>G, p.Lys1117Arg (NM_020910.3); short protein forms K1117R.
Identifiers: ClinVar variation 1949718 (VCV001949718.5), dbSNP rs1812025053, ClinGen allele CA369385309.

ClinVar aggregate classification (germline): Uncertain significance (1 of 4 stars; one submission).

Allele frequency attached by ClinVar (database versions not stated): gnomAD exomes below 0.00001.
gnomAD v4.1: 1 of 1,613,690 alleles (0.000062%); highest among the groups gnomAD compares: Non-Finnish European, 0.000085%; no homozygotes.

Submission:

Labcorp Genetics (formerly Invitae), Labcorp
Classification: Uncertain significance. Last evaluated: 2022-07-25. Review status: criteria provided, single submitter. Criteria: Invitae Variant Classification Sherloc (09022015). Collection method: clinical testing. Allele origin: germline.
Comment: In summary, the available evidence is currently insufficient to determine the role of this variant in disease. Therefore, it has been classified as a Variant of Uncertain Significance. This sequence change replaces lysine, which is basic and polar, with arginine, which is basic and polar, at codon 1117 of the KIAA1549 protein (p.Lys1117Arg). This variant is not present in population databases (gnomAD no frequency). This variant has not been reported in the literature in individuals affected with KIAA1549-related conditions. Algorithms developed to predict the effect of missense changes on protein structure and function output the following: SIFT: "Tolerated"; PolyPhen-2: "Benign"; Align-GVGD: "Class C0". The arginine amino acid residue is found in multiple mammalian species, which suggests that this missense change does not adversely affect protein function.